The following is an entry in ClinVar:

NM_000069.3(CACNA1S):c.5402C>T (p.Ala1801Val)

Gene: CACNA1S (calcium voltage-gated channel subunit alpha1 S; minus strand). Cytogenetic location: 1q32.1.
Variant type: single nucleotide variant.
Coding change: c.5402C>T on transcript NM_000069.3 (MANE Select); coding-DNA position 5402, C replaced by T.
Protein change: p.Ala1801Val; replaces alanine 1801 with valine.
Molecular consequence: missense variant.
Genome position (GRCh38, 1-based): chr1:201,040,051, G>A on the plus strand (C>T on the coding strand, the complement: CACNA1S is on the minus strand). VCF-style: chr1-201040051-G-A. GRCh37 (hg19) VCF-style: chr1-201009179-G-A.
Other names: short protein forms A1801V.
Identifiers: ClinVar variation 3071866 (VCV003071866.1), dbSNP rs2464387622, ClinGen allele CA344129823.

ClinVar aggregate classification (germline): Uncertain significance (1 of 4 stars; one submission).

Conditions:
Malignant hyperthermia, susceptibility to, 5 (MHS5). Also called: CACNA1S-Related Malignant Hyperthermia Susceptibility. Identifiers: Orphanet 423, MedGen C1866077, MONDO:0011163, OMIM 601887.

Submission:

All of Us Research Program, National Institutes of Health
Classification: Uncertain significance for Malignant hyperthermia, susceptibility to, 5. Last evaluated: 2023-06-26. Review status: criteria provided, single submitter. Criteria: ACMG Guidelines, 2015. Collection method: clinical testing. Allele origin: germline. Inheritance: Autosomal dominant inheritance. Observed: 1 variant allele, 1 heterozygote.
Comment: This missense variant replaces alanine with valine at codon 1801 of the CACNA1S protein. Computational prediction suggests that this variant may not impact protein structure and function (internally defined REVEL score threshold <= 0.5, PMID: 27666373). To our knowledge, functional studies have not been reported for this variant. This variant has not been reported in individuals affected with CACNA1S-related disorders in the literature. This variant has not been identified in the general population by the Genome Aggregation Database (gnomAD). The available evidence is insufficient to determine the role of this variant in disease conclusively. Therefore, this variant is classified as a Variant of Uncertain Significance.

This study involves interpretation of variants in research participants for the purpose of population health screening. Participant phenotype was not available at the time of variant classification. Additional details can be found in publication PMID: 35346344, PMCID: PMC8962531